The following is an entry in ClinVar:

NM_212482.4(FN1):c.351C>G (p.Asp117Glu)

Genes: FN1 (fibronectin 1; minus strand), LOC126806499 (CDK7 strongly-dependent group 2 enhancer GRCh37_chr2:216298103-216299302; plus strand). Cytogenetic location: 2q35.
Variant type: single nucleotide variant.
Coding change: c.351C>G on transcript NM_212482.4 (MANE Select); coding-DNA position 351, C replaced by G.
Protein change: p.Asp117Glu; replaces aspartic acid 117 with glutamic acid.
Molecular consequence: missense variant.
Genome position (GRCh38, 1-based): chr2:215,433,388, G>C on the plus strand (C>G on the coding strand, the complement: FN1 is on the minus strand). VCF-style: chr2-215433388-G-C. GRCh37 (hg19) VCF-style: chr2-216298111-G-C.
Other names: c.351C>G, p.Asp117Glu (NM_001365520.2, NM_001365521.2, NM_001365522.2 and 14 more transcripts); short protein forms D117E.
Identifiers: ClinVar variation 2901174 (VCV002901174.4), dbSNP rs2470559870, ClinGen allele CA350478777.

ClinVar aggregate classification (germline): Uncertain significance. Review status: criteria provided, multiple submitters, no conflicts (2 of 4 stars). 2 submissions from 2 submitters: Uncertain significance (2). Last evaluated 2024-01-06.

Conditions:
Glomerulopathy with fibronectin deposits 2 (GFND2). Identifiers: Orphanet 84090, MedGen C1866075, MONDO:0011165, OMIM 601894.
Spondylometaphyseal dysplasia - Sutcliffe type. Also called: Sutcliffe type of spondylometaphyseal dysplasia; Sutcliffe SMD; Spondylometaphyseal Dysplasia, Corner Fracture Type; Spondylometaphyseal dysplasia, 'corner fracture' type. Identifiers: Orphanet 93315, MedGen C0432221, MONDO:0008479, OMIM 184255.

Submissions (2):

Fulgent Genetics
Classification: Uncertain significance for Spondylometaphyseal dysplasia - Sutcliffe type; Glomerulopathy with fibronectin deposits 2. Last evaluated: 2024-01-06. Review status: criteria provided, single submitter. Criteria: ACMG Guidelines, 2015. Collection method: clinical testing. Allele origin: germline.

Labcorp Genetics (formerly Invitae), Labcorp
Classification: Uncertain significance. Last evaluated: 2023-07-12. Review status: criteria provided, single submitter. Criteria: Invitae Variant Classification Sherloc (09022015). Collection method: clinical testing. Allele origin: germline.
Comment: This sequence change replaces aspartic acid, which is acidic and polar, with glutamic acid, which is acidic and polar, at codon 117 of the FN1 protein (p.Asp117Glu). This variant is not present in population databases (gnomAD no frequency). This variant has not been reported in the literature in individuals affected with FN1-related conditions. Advanced modeling of protein sequence and biophysical properties (such as structural, functional, and spatial information, amino acid conservation, physicochemical variation, residue mobility, and thermodynamic stability) performed at Invitae indicates that this missense variant is not expected to disrupt FN1 protein function. In summary, the available evidence is currently insufficient to determine the role of this variant in disease. Therefore, it has been classified as a Variant of Uncertain Significance.